The following is an entry in ClinVar:

ClinVar aggregate classification (germline): Benign (0 of 4 stars; one submission).

Conditions:
PIDD1-related disorder. Also called: PIDD1-related condition.

Allele frequency attached by ClinVar (database versions not stated): ESP Exome Variant Server 0.00015; gnomAD exomes 0.00022; gnomAD 0.00034; TOPMed 0.00037; ExAC 0.00064; 1000 Genomes Project 0.00140; 1000 Genomes Project 30x 0.00141.
gnomAD v4.1: 372 of 1,613,570 alleles (0.023%); highest among the groups gnomAD compares: East Asian, 0.74%; no homozygotes.

Submission:

PreventionGenetics, part of Exact Sciences
Classification: Benign for PIDD1-related condition. Last evaluated: 2019-10-28. Review status: no assertion criteria provided. Collection method: clinical testing. Allele origin: germline.
Comment: This variant is classified as benign based on ACMG/AMP sequence variant interpretation guidelines (Richards et al. 2015 PMID: 25741868, with internal and published modifications).

NM_145886.4(PIDD1):c.415A>T (p.Thr139Ser)

Gene: PIDD1 (p53-induced death domain protein 1; minus strand). Cytogenetic location: 11p15.5.
Variant type: single nucleotide variant.
Coding change: c.415A>T on transcript NM_145886.4 (MANE Select); coding-DNA position 415, A replaced by T.
Protein change: p.Thr139Ser; replaces threonine 139 with serine.
Molecular consequence: missense variant.
Genome position (GRCh38, 1-based): chr11:803,468, T>A on the plus strand (A>T on the coding strand, the complement: PIDD1 is on the minus strand). VCF-style: chr11-803468-T-A. GRCh37 (hg19) VCF-style: chr11-803468-T-A.
Other names: c.415A>T, p.Thr139Ser (NM_145887.4); short protein forms T139S.
Identifiers: ClinVar variation 3040296 (VCV003040296.2), dbSNP rs61751730, ClinGen allele CA5790463.